The following is an entry in ClinVar:

NM_031308.4(EPPK1):c.1324A>G (p.Thr442Ala)

Gene: EPPK1 (epiplakin 1; minus strand). Cytogenetic location: 8q24.3.
Variant type: single nucleotide variant.
Coding change: c.1324A>G on transcript NM_031308.4 (MANE Select); coding-DNA position 1324, A replaced by G.
Protein change: p.Thr442Ala; replaces threonine 442 with alanine.
Molecular consequence: missense variant.
Genome position (GRCh38, 1-based): chr8:143,871,930, T>C on the plus strand (A>G on the coding strand, the complement: EPPK1 is on the minus strand). VCF-style: chr8-143871930-T-C. GRCh37 (hg19) VCF-style: chr8-144946098-T-C.
Other names: short protein forms T442A.
Identifiers: ClinVar variation 4991572 (VCV004991572.1).

ClinVar aggregate classification (germline): Uncertain significance (1 of 4 stars; one submission).

Conditions:
EPPK1-related disorder. Also called: EPPK1-related condition.

Submission:

PreventionGenetics, part of Exact Sciences
Classification: Uncertain significance for EPPK1-related condition. Last evaluated: 2026-08-30. Review status: criteria provided, single submitter. Criteria: ACMG Guidelines, 2015. Collection method: clinical testing. Allele origin: germline.
Comment: The EPPK1 c.1324A>G variant is predicted to result in the amino acid substitution p.Thr442Ala. To our knowledge, this variant has not been reported in the literature or in a large population database (gnomAD), indicating this variant is rare. At this time, the clinical significance of this variant is uncertain due to the absence of conclusive functional and genetic evidence.